The following is an entry in ClinVar:

ClinVar aggregate classification (germline): Uncertain significance (1 of 4 stars; one submission).

Allele frequency attached by ClinVar (database versions not stated): gnomAD exomes below 0.00001.
gnomAD v4.1: 1 of 1,591,220 alleles (0.000063%); highest among the groups gnomAD compares: Non-Finnish European, 0.000086%; no homozygotes.

Submission:

Labcorp Genetics (formerly Invitae), Labcorp
Classification: Uncertain significance. Last evaluated: 2023-05-30. Review status: criteria provided, single submitter. Criteria: Invitae Variant Classification Sherloc (09022015). Collection method: clinical testing. Allele origin: germline.
Comment: In summary, the available evidence is currently insufficient to determine the role of this variant in disease. Therefore, it has been classified as a Variant of Uncertain Significance. An algorithm developed to predict the effect of missense changes on protein structure and function (PolyPhen-2) suggests that this variant is likely to be disruptive. This variant has not been reported in the literature in individuals affected with COL9A3-related conditions. This variant is not present in population databases (gnomAD no frequency). This sequence change replaces glycine, which is neutral and non-polar, with arginine, which is basic and polar, at codon 370 of the COL9A3 protein (p.Gly370Arg).

NM_001853.4(COL9A3):c.1108G>A (p.Gly370Arg)

Gene: COL9A3 (collagen type IX alpha 3 chain; plus strand). Cytogenetic location: 20q13.33.
Variant type: single nucleotide variant.
Coding change: c.1108G>A on transcript NM_001853.4 (MANE Select); coding-DNA position 1108, G replaced by A.
Protein change: p.Gly370Arg; replaces glycine 370 with arginine.
Molecular consequence: missense variant.
Genome position (GRCh38, 1-based): chr20:62,829,766, G>A. VCF-style: chr20-62829766-G-A. GRCh37 (hg19) VCF-style: chr20-61461118-G-A.
Other names: short protein forms G370R.
Identifiers: ClinVar variation 2780350 (VCV002780350.3), dbSNP rs2516059373, ClinGen allele CA409593659.